The following is an entry in ClinVar:

ClinVar aggregate classification (germline): Uncertain significance (1 of 4 stars; one submission).

Conditions:
Hereditary spastic paraplegia 4. Also called: Spastic paraplegia 4, autosomal dominant; Spastic Paraplegia 4; Familial spastic paraplegia autosomal dominant 2. Identifiers: Orphanet 100985, MedGen C1866855, MONDO:0008438, OMIM 182601.

Submission:

Labcorp Genetics (formerly Invitae), Labcorp
Classification: Uncertain significance for Hereditary spastic paraplegia 4. Last evaluated: 2023-04-13. Review status: criteria provided, single submitter. Criteria: Invitae Variant Classification Sherloc (09022015). Collection method: clinical testing. Allele origin: germline.
Comment: This variant is not present in population databases (gnomAD no frequency). This sequence change replaces aspartic acid, which is acidic and polar, with histidine, which is basic and polar, at codon 542 of the SPAST protein (p.Asp542His). This missense change has been observed in individual(s) with SPAST-related conditions (Invitae). In summary, the available evidence is currently insufficient to determine the role of this variant in disease. Therefore, it has been classified as a Variant of Uncertain Significance. Advanced modeling of protein sequence and biophysical properties (such as structural, functional, and spatial information, amino acid conservation, physicochemical variation, residue mobility, and thermodynamic stability) performed at Invitae indicates that this missense variant is not expected to disrupt SPAST protein function.

NM_014946.4(SPAST):c.1624G>C (p.Asp542His)

Gene: SPAST (spastin; plus strand). Cytogenetic location: 2p22.3.
Variant type: single nucleotide variant.
Coding change: c.1624G>C on transcript NM_014946.4 (MANE Select); coding-DNA position 1624, G replaced by C.
Protein change: p.Asp542His; replaces aspartic acid 542 with histidine.
Molecular consequence: missense variant. On other transcripts: intron variant (1).
Genome position (GRCh38, 1-based): chr2:32,144,944, G>C. VCF-style: chr2-32144944-G-C. GRCh37 (hg19) VCF-style: chr2-32370013-G-C.
Other names: c.1621G>C, p.Asp541His (NM_001363823.2); c.1525G>C, p.Asp509His (NM_001363875.2); c.1528G>C, p.Asp510His (NM_199436.2); c.1520+1529G>C (NM_001377959.1); short protein forms D509H, D542H, D510H, D541H.
Identifiers: ClinVar variation 2855418 (VCV002855418.3), dbSNP rs780404151, ClinGen allele CA346504168.